The following is an entry in ClinVar:

ClinVar aggregate classification (germline): Likely pathogenic (1 of 4 stars; one submission).

Conditions:
Lissencephaly due to LIS1 mutation (LIS1). Also called: PAFAH1B1-Related Lissencephaly/Subcortical Band Heterotopia; Isolated Lissencephaly Sequence; PAFAH1B1-Associated Lissencephaly/Subcortical Band Heterotopia. Identifiers: Orphanet 95232, MedGen C4749301, MONDO:0011830, OMIM 607432.

Submission:

Cavalleri Lab, Royal College of Surgeons in Ireland
Classification: Likely pathogenic for Lissencephaly due to LIS1 mutation. Last evaluated: 2019-12-11. Review status: criteria provided, single submitter. Criteria: ACMG Guidelines, 2015. Collection method: research. Allele origin: de novo. Inheritance: Sporadic. Affected: yes.
Comment: ACMG evidence PS2, PM2, PP2, PP3

Literature cited by the submitters: PubMed 32238909.

NM_000430.4(PAFAH1B1):c.967T>A (p.Trp323Arg)

Gene: PAFAH1B1 (platelet activating factor acetylhydrolase 1b regulatory subunit 1; plus strand). Cytogenetic location: 17p13.3.
Variant type: single nucleotide variant.
Coding change: c.967T>A on transcript NM_000430.4 (MANE Select); coding-DNA position 967, T replaced by A.
Protein change: p.Trp323Arg; replaces tryptophan 323 with arginine.
Molecular consequence: missense variant.
Genome position (GRCh38, 1-based): chr17:2,676,571, T>A. VCF-style: chr17-2676571-T-A. GRCh37 (hg19) VCF-style: chr17-2579865-T-A.
Other names: short protein forms W323R.
Identifiers: ClinVar variation 812182 (VCV000812182.1), dbSNP rs2069271269, ClinGen allele CA397642265.